The following is an entry in ClinVar:

ClinVar aggregate classification (germline): Pathogenic/Likely pathogenic. Review status: criteria provided, multiple submitters, no conflicts (2 of 4 stars). 2 submissions from 2 submitters: Pathogenic (1); Likely pathogenic (1). Last evaluated 2021-04-02.

Conditions:
Alport syndrome. Also called: Hemorrhagic familial nephritis; Hemorrhagic hereditary nephritis; Congenital hereditary hematuria. Identifiers: Orphanet 63, MedGen C1567741, MONDO:0018965.

Submissions (2):

Labcorp Genetics (formerly Invitae), Labcorp
Classification: Pathogenic. Last evaluated: 2021-04-02. Review status: criteria provided, single submitter. Criteria: Invitae Variant Classification Sherloc (09022015). Collection method: clinical testing. Allele origin: germline.
Comment: For these reasons, this variant has been classified as Pathogenic. This variant has not been reported in the literature in individuals with COL4A3-related conditions. This variant is present in population databases (rs755109848, ExAC 0.001%). This sequence change creates a premature translational stop signal (p.Gly1009Aspfs*145) in the COL4A3 gene. It is expected to result in an absent or disrupted protein product. Loss-of-function variants in COL4A3 are known to be pathogenic (PMID: 8956999, 24854265, 26809805, 27281700).

UNC Molecular Genetics  Laboratory, University of North Carolina at Chapel Hill
Classification: Likely pathogenic for Alport syndrome. Last evaluated: 2020-12-11. Review status: criteria provided, single submitter. Criteria: ACMG Guidelines, 2015. Collection method: clinical testing. Allele origin: germline. Affected: yes. Observed: 1 compound heterozygote.

Literature cited by the submitters: PubMed 8956999 (cited by Labcorp Genetics (formerly Invitae), Labcorp); PubMed 24854265 (cited by Labcorp Genetics (formerly Invitae), Labcorp); PubMed 26809805 (cited by Labcorp Genetics (formerly Invitae), Labcorp); PubMed 27281700 (cited by Labcorp Genetics (formerly Invitae), Labcorp).

NM_000091.5(COL4A3):c.3026del (p.Gly1009fs)

Genes: COL4A3 (collagen type IV alpha 3 chain; plus strand), MFF-DT (MFF divergent transcript; minus strand). Cytogenetic location: 2q36.3.
Variant type: Deletion.
Coding change: c.3026del on transcript NM_000091.5 (MANE Select); coding-DNA position 3026, one base deleted (G; older notation c.3026delG).
Protein change: p.Gly1009fs; shifts the reading frame from glycine 1009.
Molecular consequence: frameshift variant.
Genome position (GRCh38, 1-based): chr2:227,290,044, G deleted; the last of 2 consecutive G bases (chr2:227,290,043-227,290,044); deleting either gives the same sequence. VCF-style (leftmost placement, unchanged base first): chr2-227290042-AG-A. GRCh37 (hg19) VCF-style: chr2-228154758-AG-A.
Other names: short protein forms G1009fs.
Identifiers: ClinVar variation 1210223 (VCV001210223.7), dbSNP rs755109848, ClinGen allele CA2147081.